The following is an entry in ClinVar:

NM_001710.6(CFB):c.2200G>T (p.Val734Leu)

Gene: CFB (complement factor B; plus strand). Cytogenetic location: 6p21.33.
Variant type: single nucleotide variant.
Coding change: c.2200G>T on transcript NM_001710.6 (MANE Select); coding-DNA position 2200, G replaced by T.
Protein change: p.Val734Leu; replaces valine 734 with leucine.
Molecular consequence: missense variant.
Genome position (GRCh38, 1-based): chr6:31,951,935, G>T. VCF-style: chr6-31951935-G-T. GRCh37 (hg19) VCF-style: chr6-31919712-G-T.
Other names: short protein forms V734L.
Identifiers: ClinVar variation 1507687 (VCV001507687.8), dbSNP rs1459187710, ClinGen allele CA363414456.

ClinVar aggregate classification (germline): Uncertain significance (1 of 4 stars; one submission).

Submission:

Labcorp Genetics (formerly Invitae), Labcorp
Classification: Uncertain significance. Last evaluated: 2020-12-11. Review status: criteria provided, single submitter. Criteria: Invitae Variant Classification Sherloc (09022015). Collection method: clinical testing. Allele origin: germline.
Comment: This sequence change replaces valine with leucine at codon 734 of the CFB protein (p.Val734Leu). The valine residue is moderately conserved and there is a small physicochemical difference between valine and leucine. This variant is not present in population databases (ExAC no frequency). This variant has not been reported in the literature in individuals with CFB-related conditions. Algorithms developed to predict the effect of missense changes on protein structure and function (SIFT, PolyPhen-2, Align-GVGD) all suggest that this variant is likely to be tolerated, but these predictions have not been confirmed by published functional studies and their clinical significance is uncertain. In summary, the available evidence is currently insufficient to determine the role of this variant in disease. Therefore, it has been classified as a Variant of Uncertain Significance.